The following is an entry in ClinVar:

NM_024675.4(PALB2):c.3244_3245del (p.Glu1081_Ser1082insTer)

Gene: PALB2 (partner and localizer of BRCA2; minus strand). Cytogenetic location: 16p12.2.
Variant type: Microsatellite.
Coding change: c.3244_3245del on transcript NM_024675.4 (MANE Select); coding-DNA positions 3244 to 3245, 2 bases deleted (AG; older notation c.3244_3245delAG).
Protein change: p.Glu1081_Ser1082insTer.
Molecular consequence: nonsense.
Genome position (GRCh38, 1-based): chr16:23,607,969-23,607,970, CT deleted on the plus strand (AG on the coding strand, the reverse complement: PALB2 is on the minus strand); deleting any 2 consecutive bases within chr16:23,607,969-23,607,974 gives the same sequence; the c. name uses the placement nearest the transcript's 3' end. VCF-style (leftmost placement, unchanged base first): chr16-23607968-ACT-A. GRCh37 (hg19) VCF-style: chr16-23619289-ACT-A.
Other names: c.3240_3241del (NM_024675.3); c.3244_3245delAG (NM_024675.3).
Identifiers: ClinVar variation 265368 (VCV000265368.27), dbSNP rs886039503, ClinGen allele CA10588600.

ClinVar aggregate classification (germline): Pathogenic. Review status: criteria provided, multiple submitters, no conflicts (2 of 4 stars). 9 submissions from 9 submitters: Pathogenic (9). Last evaluated 2026-05-21.

Conditions:
Breast-ovarian cancer, familial, susceptibility to, 5 (BROVCA5). Identifiers: MedGen C5830615, MONDO:0957530, OMIM 620442.
PALB2-related disorder. Also called: PALB2-related condition; PALB2-related disorders.
Hereditary cancer-predisposing syndrome. Also called: Neoplastic Syndromes, Hereditary; Hereditary neoplastic syndrome; Hereditary Cancer Syndrome; Tumor predisposition. Identifiers: Orphanet 140162, MedGen C0027672, MeSH D009386, MONDO:0015356.
Hereditary breast ovarian cancer syndrome. Also called: Hereditary breast and ovarian cancer syndrome; Hereditary breast and/or ovarian cancer syndrome; BRCA1- and BRCA2-Associated Hereditary Breast and Ovarian Cancer; Breast and ovarian cancer; Hereditary breast and ovarian cancer syndrome (HBOC); Hereditary breast and ovarian cancer. Identifiers: Orphanet 145, MedGen C0677776, MeSH D061325, MONDO:0003582. Disease mechanism: loss of function.
Familial cancer of breast. Also called: BREAST CANCER, FAMILIAL; Hereditary breast cancer; hereditary breast carcinoma. Identifiers: Orphanet 227535, MedGen C0346153, MONDO:0016419, OMIM 114480. Disease mechanism: loss of function.

Submissions (9):

PreventionGenetics, part of Exact Sciences
Classification: Pathogenic for PALB2-related condition. Last evaluated: 2026-05-21. Review status: criteria provided, single submitter. Criteria: ACMG Guidelines, 2015. Collection method: clinical testing. Allele origin: germline.
Comment: The PALB2 c.3244_3245delAG variant is predicted to result in premature protein termination (p.Ser1082*). This variant has been reported in individuals with breast cancer (Supplemental Table 4, Sample BRE-996N, Siraj et al. 2017. PubMed ID: 28975465; Siraj et al 2023. PubMed ID: 37169825). This variant has not been reported in a large population database (gnomAD), indicating this variant is rare, and it is consistently classified as pathogenic by several submitters to the ClinVar database (Variation ID: 265368). Protein truncating variants in PALB2 are expected to be pathogenic. This variant is interpreted as pathogenic.

Labcorp Genetics (formerly Invitae), Labcorp
Classification: Pathogenic for Familial cancer of breast. Last evaluated: 2026-01-10. Review status: criteria provided, single submitter. Criteria: Invitae Variant Classification Sherloc (09022015). Collection method: clinical testing. Allele origin: germline.
Comment: This sequence change creates a premature translational stop signal (p.Ser1082*) in the PALB2 gene. It is expected to result in an absent or disrupted protein product. Loss-of-function variants in PALB2 are known to be pathogenic (PMID: 17200668, 17200671, 17200672, 24136930, 25099575). This variant is not present in population databases (gnomAD no frequency). This variant has not been reported in the literature in individuals affected with PALB2-related conditions. ClinVar contains an entry for this variant (Variation ID: 265368). RNA analysis performed to evaluate the impact of this premature translational stop signal on mRNA splicing indicates it does not significantly alter splicing (internal data). For these reasons, this variant has been classified as Pathogenic.

KCCC/NGS Laboratory, Kuwait Cancer Control Center
Classification: Pathogenic for Breast-ovarian cancer, familial, susceptibility to, 5. Last evaluated: 2024-12-16. Review status: criteria provided, single submitter. Criteria: ACMG Guidelines, 2015. Collection method: clinical testing. Allele origin: germline. Inheritance: Autosomal dominant inheritance. Affected: yes. Observed: 1 heterozygote.
Comment: This sequence change creates a premature translational stop signal (p.Ser1082*) in the PALB2 gene. It is expected to result in an absent or disrupted protein product. Loss-of-function variants in PALB2 are known to be pathogenic (PMID: 17200672, 24136930, 17200668, 17200671, 25099575, 28975465, 33471991). This variant is not present in population databases (gnomAD no frequency). This variant has not been reported in the literature in individuals affected with PALB2-related conditions. ClinVar contains an entry for this variant (Variation ID: 265368). This alteration is expected to result in loss of function by premature protein truncation or nonsense-mediated mRNA decay. For these reasons, this variant has been classified as Pathogenic

Ambry Genetics
Classification: Pathogenic for Hereditary cancer-predisposing syndrome. Last evaluated: 2024-04-16. Review status: criteria provided, single submitter. Criteria: Ambry Variant Classification Scheme 2023. Collection method: clinical testing. Allele origin: germline.
Comment: The c.3244_3245delAG pathogenic mutation, located in coding exon 12 of the PALB2 gene, results from a deletion of two nucleotides at nucleotide positions 3244 to 3245, causing a translational frameshift with a predicted alternate stop codon (p.S1082*). This mutation has been identified in a breast cancer patient (Siraj AK et al. Hum Genet, 2017 11;136:1431-1444). This variant is considered to be rare based on population cohorts in the Genome Aggregation Database (gnomAD). In addition to the clinical data presented in the literature, this alteration is expected to result in loss of function by premature protein truncation or nonsense-mediated mRNA decay. As such, this alteration is interpreted as a disease-causing mutation.

Myriad Genetics, Inc.
Classification: Pathogenic for Familial cancer of breast. Last evaluated: 2023-09-14. Review status: criteria provided, single submitter. Criteria: Myriad Autosomal Dominant, Autosomal Recessive and X-Linked Classification Criteria (2023). Collection method: clinical testing. Allele origin: unknown.
Comment: This variant is considered pathogenic. This variant creates a termination codon and is predicted to result in premature protein truncation.

Baylor Genetics
Classification: Pathogenic for Familial cancer of breast. Last evaluated: 2023-08-15. Review status: criteria provided, single submitter. Criteria: ACMG Guidelines, 2015. Collection method: clinical testing. Allele origin: unknown.

GeneDx
Classification: Pathogenic. Last evaluated: 2023-05-08. Review status: criteria provided, single submitter. Criteria: GeneDx Variant Classification Process June 2021. Collection method: clinical testing. Allele origin: germline. Affected: yes.
Comment: Nonsense variant predicted to result in protein truncation or nonsense mediated decay in a gene for which loss-of-function is a known mechanism of disease; Not observed in large population cohorts (gnomAD); Truncating variants in this gene are considered pathogenic by a well-established clinical consortium and/or database; This variant is associated with the following publications: (PMID: 17200672, 24136930, 17200668, 17200671, 25099575, 28975465, 33471991)

Quest Diagnostics Nichols Institute San Juan Capistrano
Classification: Pathogenic. Last evaluated: 2023-05-02. Review status: criteria provided, single submitter. Criteria: Quest Diagnostics criteria. Collection method: clinical testing. Allele origin: unknown.
Comment: This frameshift variant alters the translational reading frame of the PALB2 mRNA and causes the premature termination of PALB2 protein synthesis. This variant has not been reported in large, multi-ethnic general populations. In the published literature, the variant has been reported in individuals with breast cancer (PMID: 28975465 (2017), 33471991 (2021), see also LOVD). Based on the available information, this variant is classified as pathogenic.

Women's Health and Genetics/Laboratory Corporation of America, LabCorp
Classification: Pathogenic for Hereditary breast ovarian cancer syndrome. Last evaluated: 2021-10-18. Review status: criteria provided, single submitter. Criteria: LabCorp Variant Classification Summary - May 2015. Collection method: clinical testing. Allele origin: germline.
Comment: Variant summary: PALB2 c.3244_3245delAG (p.Ser1082X) results in a premature termination codon, predicted to cause a truncation of the encoded protein or absence of the protein due to nonsense mediated decay, which are commonly known mechanisms for disease. Truncations downstream of this position have been classified as pathogenic by our laboratory. The variant was absent in 251470 control chromosomes. c.3244_3245delAG has been reported in the literature as a pathogenic variant in settings of multigene panel testing in at-least two individuals affected with breast cancer (example, Siraj_2017, Dorling_2021). To our knowledge, no experimental evidence demonstrating an impact on protein function has been reported. Three clinical diagnostic laboratories have submitted clinical-significance assessments for this variant to ClinVar after 2014 without evidence for independent evaluation. All laboratories classified the variant as pathogenic. Based on the evidence outlined above, the variant was classified as pathogenic.

Literature cited by the submitters: PubMed 17200668 (cited by Labcorp Genetics (formerly Invitae), Labcorp); PubMed 17200671 (cited by Labcorp Genetics (formerly Invitae), Labcorp); PubMed 17200672 (cited by Labcorp Genetics (formerly Invitae), Labcorp); PubMed 24136930 (cited by Labcorp Genetics (formerly Invitae), Labcorp); PubMed 25099575 (cited by Labcorp Genetics (formerly Invitae), Labcorp); PubMed 28975465 (cited by 3 submitters); PubMed 33471991 (cited by Quest Diagnostics Nichols Institute San Juan Capistrano and Women's Health and Genetics/Laboratory Corporation of America, LabCorp).